The following is an entry in ClinVar:

ClinVar aggregate classification (germline): Conflicting classifications of pathogenicity. Review status: criteria provided, conflicting classifications (1 of 4 stars). 2 submissions from 2 submitters: Uncertain significance (1); Likely benign (1). Last evaluated 2023-03-23.

Conditions:
Hereditary cancer-predisposing syndrome. Also called: Neoplastic Syndromes, Hereditary; Tumor predisposition; Hereditary Cancer Syndrome; Hereditary neoplastic syndrome. Identifiers: Orphanet 140162, MedGen C0027672, MeSH D009386, MONDO:0015356.

Submissions (2):

University of Washington Department of Laboratory Medicine, University of Washington
Classification: Likely benign for Hereditary cancer-predisposing syndrome. Last evaluated: 2023-03-23. Review status: criteria provided, single submitter. Criteria: Dines et al. (Genet Med. 2020). Collection method: curation. Allele origin: germline.
Comment: Missense variant in a coldspot region where missense variants are very unlikely to be pathogenic (PMID:31911673).

BRCA1 coldspot (exon 11 using historical exon numbering). Reclassification based on statistical prior probability

Ambry Genetics
Classification: Uncertain significance for Hereditary cancer-predisposing syndrome. Last evaluated: 2019-10-31. Review status: criteria provided, single submitter. Criteria: Ambry Variant Classification Scheme 2023. Collection method: clinical testing. Allele origin: germline.
Comment: The p.N542I variant (also known as c.1625A>T), located in coding exon 9 of the BRCA1 gene, results from an A to T substitution at nucleotide position 1625. The asparagine at codon 542 is replaced by isoleucine, an amino acid with dissimilar properties. This amino acid position is not well conserved in available vertebrate species. In addition, this alteration is predicted to be deleterious by in silico analysis. Since supporting evidence is limited at this time, the clinical significance of this alteration remains unclear.

NM_007294.4(BRCA1):c.1625A>T (p.Asn542Ile)

Gene: BRCA1 (BRCA1 DNA repair associated; minus strand). Cytogenetic location: 17q21.31.
Variant type: single nucleotide variant.
Coding change: c.1625A>T on transcript NM_007294.4 (MANE Select); coding-DNA position 1625, A replaced by T.
Protein change: p.Asn542Ile; replaces asparagine 542 with isoleucine.
Molecular consequence: missense variant. On other transcripts: intron variant (137).
Genome position (GRCh38, 1-based): chr17:43,093,906, T>A on the plus strand (A>T on the coding strand, the complement: BRCA1 is on the minus strand). VCF-style: chr17-43093906-T-A. GRCh37 (hg19) VCF-style: chr17-41245923-T-A.
Other names: c.1484A>T, p.Asn495Ile (NM_001407694.1, NM_001407695.1, NM_001407696.1 and 29 more transcripts); c.1499A>T, p.Asn500Ile (NM_001407691.1, NM_001407649.1, NM_001407670.1 and 11 more transcripts); c.1625A>T, p.Asn542Ile (NM_007300.4, NM_001407581.1, NM_001407582.1 and 30 more transcripts); c.646+838A>T (NM_001408458.1, NM_001408469.1, NM_001408453.1 and 11 more transcripts); c.283+838A>T (NM_001408512.1); c.406+838A>T (NM_001408510.1); c.643+838A>T (NM_001408470.1, NM_001408464.1, NM_001408468.1 and 3 more transcripts); c.784+838A>T (NM_001408397.1, NM_001408401.1, NM_001408396.1 and 13 more transcripts); and 40 more; short protein forms N454I, N495I, N516I, N246I, N430I, N453I, N471I, N494I.
Identifiers: ClinVar variation 1776679 (VCV001776679.4), dbSNP rs2154433378, ClinGen allele CA10598789.